The following is an entry in ClinVar:

ClinVar aggregate classification (germline): Uncertain significance. Review status: criteria provided, multiple submitters, no conflicts (2 of 4 stars). 2 submissions from 2 submitters: Uncertain significance (2). Last evaluated 2025-04-01.

Allele frequency attached by ClinVar (database versions not stated): ExAC 0.00001; gnomAD 0.00002.
gnomAD v4.1: 7 of 1,613,518 alleles (0.00043%); highest among the groups gnomAD compares: Admixed American, 0.005%; no homozygotes.

Submissions (2):

Ambry Genetics
Classification: Uncertain significance. Last evaluated: 2025-04-01. Review status: criteria provided, single submitter. Criteria: Ambry Variant Classification Scheme 2023. Collection method: clinical testing. Allele origin: germline.

Labcorp Genetics (formerly Invitae), Labcorp
Classification: Uncertain significance. Last evaluated: 2022-02-06. Review status: criteria provided, single submitter. Criteria: Invitae Variant Classification Sherloc (09022015). Collection method: clinical testing. Allele origin: germline.
Comment: This variant is present in population databases (rs763853987, gnomAD 0.003%). In summary, the available evidence is currently insufficient to determine the role of this variant in disease. Therefore, it has been classified as a Variant of Uncertain Significance. Algorithms developed to predict the effect of missense changes on protein structure and function output the following: SIFT: "Tolerated"; PolyPhen-2: "Benign"; Align-GVGD: "Class C0". The asparagine amino acid residue is found in multiple mammalian species, which suggests that this missense change does not adversely affect protein function. This variant has not been reported in the literature in individuals affected with ATRIP-related conditions. This sequence change replaces threonine, which is neutral and polar, with asparagine, which is neutral and polar, at codon 343 of the ATRIP protein (p.Thr343Asn).

NM_130384.3(ATRIP):c.1028C>A (p.Thr343Asn)

Genes: ATRIP-TREX1 (ATRIP-TREX1 readthrough; plus strand), ATRIP (ATR interacting protein; plus strand). Cytogenetic location: 3p21.31.
Variant type: single nucleotide variant.
Coding change: c.1028C>A on transcript NM_130384.3 (MANE Select); coding-DNA position 1028, C replaced by A.
Protein change: p.Thr343Asn; replaces threonine 343 with asparagine.
Molecular consequence: missense variant. On other transcripts: non-coding transcript variant (1).
Genome position (GRCh38, 1-based): chr3:48,459,889, C>A. VCF-style: chr3-48459889-C-A. GRCh37 (hg19) VCF-style: chr3-48501288-C-A.
Other names: c.647C>A, p.Thr216Asn (NM_001271022.2); c.749C>A, p.Thr250Asn (NM_001271023.2); c.1028C>A, p.Thr343Asn (NM_032166.4); c.1028C>A (NM_130384.1); short protein forms T343N, T250N, T216N.
Identifiers: ClinVar variation 1902960 (VCV001902960.6), dbSNP rs763853987, ClinGen allele CA2376117.
Genomic context (GRCh38, chr3:48,459,889, plus strand): 5'-CAGGGTCATCCCTAAGCCTTTGCCACCTCCTGAGTAGTAGTTCTGAGTCTCCTGCTGGCA[C>A]CCCCCTGCAGCCACCAGGGTTTGGCAGGTAAGCATAAGACTCCTGGAAAGCTTGTTTGGG-3'
Protein context (NP_569055.1, residues 333-353): LSSSSESPAG[Thr343Asn]PLQPPGFGST